The following is an entry in ClinVar:

ClinVar aggregate classification (germline): Uncertain significance (1 of 4 stars; one submission).

gnomAD v4.1: 6 of 1,601,402 alleles (0.00037%); highest among the groups gnomAD compares: Middle Eastern, 0.017%; no homozygotes.

Submission:

Labcorp Genetics (formerly Invitae), Labcorp
Classification: Uncertain significance. Last evaluated: 2024-08-01. Review status: criteria provided, single submitter. Criteria: Invitae Variant Classification Sherloc (09022015). Collection method: clinical testing. Allele origin: germline.
Comment: This sequence change replaces isoleucine, which is neutral and non-polar, with valine, which is neutral and non-polar, at codon 33 of the CCT2 protein (p.Ile33Val). This variant is present in population databases (rs758735272, gnomAD 0.007%). This variant has not been reported in the literature in individuals affected with CCT2-related conditions. An algorithm developed to predict the effect of missense changes on protein structure and function (PolyPhen-2) suggests that this variant is likely to be tolerated. In summary, the available evidence is currently insufficient to determine the role of this variant in disease. Therefore, it has been classified as a Variant of Uncertain Significance.

NM_006431.3(CCT2):c.97A>G (p.Ile33Val)

Gene: CCT2 (chaperonin containing TCP1 subunit 2; plus strand). Cytogenetic location: 12q15.
Variant type: single nucleotide variant.
Coding change: c.97A>G on transcript NM_006431.3 (MANE Select); coding-DNA position 97, A replaced by G.
Protein change: p.Ile33Val; replaces isoleucine 33 with valine.
Molecular consequence: missense variant. On other transcripts: 5 prime UTR variant (1).
Genome position (GRCh38, 1-based): chr12:69,586,771, A>G. VCF-style: chr12-69586771-A-G. GRCh37 (hg19) VCF-style: chr12-69980551-A-G.
Other names: c.-45A>G (NM_001198842.2); short protein forms I33V.
Identifiers: ClinVar variation 3685248 (VCV003685248.2).